The following is an entry in ClinVar:

ClinVar aggregate classification (germline): Uncertain significance (1 of 4 stars; one submission).

Allele frequency attached by ClinVar (database versions not stated): ExAC 0.00001; gnomAD exomes 0.00001; TOPMed 0.00003; gnomAD 0.00004.
gnomAD v4.1: 9 of 1,614,036 alleles (0.00056%); highest among the groups gnomAD compares: Admixed American, 0.015%; no homozygotes.

Submission:

Labcorp Genetics (formerly Invitae), Labcorp
Classification: Uncertain significance. Last evaluated: 2022-01-27. Review status: criteria provided, single submitter. Criteria: Invitae Variant Classification Sherloc (09022015). Collection method: clinical testing. Allele origin: germline.
Comment: This variant has not been reported in the literature in individuals affected with C8B-related conditions. Algorithms developed to predict the effect of missense changes on protein structure and function (SIFT, PolyPhen-2, Align-GVGD) all suggest that this variant is likely to be tolerated. In summary, the available evidence is currently insufficient to determine the role of this variant in disease. Therefore, it has been classified as a Variant of Uncertain Significance. This variant is present in population databases (rs768844606, gnomAD 0.009%). This sequence change replaces valine, which is neutral and non-polar, with alanine, which is neutral and non-polar, at codon 349 of the C8B protein (p.Val349Ala).

NM_000066.4(C8B):c.1046T>C (p.Val349Ala)

Gene: C8B (complement C8 beta chain; minus strand). Cytogenetic location: 1p32.2.
Variant type: single nucleotide variant.
Coding change: c.1046T>C on transcript NM_000066.4 (MANE Select); coding-DNA position 1046, T replaced by C.
Protein change: p.Val349Ala; replaces valine 349 with alanine.
Molecular consequence: missense variant.
Genome position (GRCh38, 1-based): chr1:56,945,880, A>G on the plus strand (T>C on the coding strand, the complement: C8B is on the minus strand). VCF-style: chr1-56945880-A-G. GRCh37 (hg19) VCF-style: chr1-57411553-A-G.
Other names: c.890T>C, p.Val297Ala (NM_001278543.2); c.860T>C, p.Val287Ala (NM_001278544.2); short protein forms V297A, V349A, V287A.
Identifiers: ClinVar variation 1511755 (VCV001511755.7), dbSNP rs768844606, ClinGen allele CA875774.